The following is an entry in ClinVar:

NM_005236.3(ERCC4):c.532G>A (p.Val178Met)

Gene: ERCC4 (ERCC excision repair 4, endonuclease catalytic subunit; plus strand). Cytogenetic location: 16p13.12.
Variant type: single nucleotide variant.
Coding change: c.532G>A on transcript NM_005236.3 (MANE Select); coding-DNA position 532, G replaced by A.
Protein change: p.Val178Met; replaces valine 178 with methionine.
Molecular consequence: missense variant.
Genome position (GRCh38, 1-based): chr16:13,926,704, G>A. VCF-style: chr16-13926704-G-A. GRCh37 (hg19) VCF-style: chr16-14020561-G-A.
Other names: short protein forms V178M.
Identifiers: ClinVar variation 2164294 (VCV002164294.3), dbSNP rs149927607, ClinGen allele CA7910214.

ClinVar aggregate classification (germline): Uncertain significance (1 of 4 stars; one submission).

Conditions:
Cockayne syndrome. Identifiers: Orphanet 191, MedGen C0009207, MONDO:0016006.
Xeroderma pigmentosum, group F (XPF). Also called: ERCC4-Related Xeroderma Pigmentosum; XERODERMA PIGMENTOSUM, COMPLEMENTATION GROUP F; XERODERMA PIGMENTOSUM VI; XP, GROUP F; XERODERMA PIGMENTOSUM, TYPE F; Xeroderma pigmentosum, type 6. Identifiers: MedGen C0268140, MONDO:0010215, OMIM 278760.
Fanconi anemia complementation group Q. Identifiers: Orphanet 84, MedGen C3808988, MONDO:0014108, OMIM 615272.

Allele frequency attached by ClinVar (database versions not stated): 1000 Genomes Project 30x 0.00016; 1000 Genomes Project 0.00020.
gnomAD v4.1: 11 of 1,614,144 alleles (0.00068%); highest among the groups gnomAD compares: Admixed American, 0.0017%; no homozygotes.

Submission:

Labcorp Genetics (formerly Invitae), Labcorp
Classification: Uncertain significance for Fanconi anemia complementation group Q; Xeroderma pigmentosum, group F; Cockayne syndrome. Last evaluated: 2022-11-28. Review status: criteria provided, single submitter. Criteria: Invitae Variant Classification Sherloc (09022015). Collection method: clinical testing. Allele origin: germline.
Comment: This variant is present in population databases (rs149927607, gnomAD 0.0009%). This variant has not been reported in the literature in individuals affected with ERCC4-related conditions. This sequence change replaces valine, which is neutral and non-polar, with methionine, which is neutral and non-polar, at codon 178 of the ERCC4 protein (p.Val178Met). Advanced modeling of protein sequence and biophysical properties (such as structural, functional, and spatial information, amino acid conservation, physicochemical variation, residue mobility, and thermodynamic stability) performed at Invitae indicates that this missense variant is expected to disrupt ERCC4 protein function. In summary, the available evidence is currently insufficient to determine the role of this variant in disease. Therefore, it has been classified as a Variant of Uncertain Significance.